The following is an entry in ClinVar:

ClinVar aggregate classification (germline): Uncertain significance (1 of 4 stars; one submission).

Conditions:
RASopathy. Also called: rasopathies; Noonan spectrum disorder. Identifiers: Orphanet 536391, MedGen C5555857, MONDO:0021060.

Submission:

Labcorp Genetics (formerly Invitae), Labcorp
Classification: Uncertain significance for RASopathy. Last evaluated: 2022-04-24. Review status: criteria provided, single submitter. Criteria: Invitae Variant Classification Sherloc (09022015). Collection method: clinical testing. Allele origin: germline.
Comment: This sequence change creates a premature translational stop signal (p.Tyr265Trpfs*52) in the MAP2K2 gene. It is expected to result in an absent or disrupted protein product. However, the current clinical and genetic evidence is not sufficient to establish whether loss-of-function variants in MAP2K2 cause disease. This variant is not present in population databases (gnomAD no frequency). This variant has not been reported in the literature in individuals affected with MAP2K2-related conditions. In summary, the available evidence is currently insufficient to determine the role of this variant in disease. Therefore, it has been classified as a Variant of Uncertain Significance.

NM_030662.4(MAP2K2):c.794_824del (p.Tyr265fs)

Gene: MAP2K2 (mitogen-activated protein kinase kinase 2; minus strand). Cytogenetic location: 19p13.3.
Variant type: Deletion.
Coding change: c.794_824del on transcript NM_030662.4 (MANE Select); coding-DNA positions 794 to 824, 31 bases deleted.
Protein change: p.Tyr265fs; shifts the reading frame from tyrosine 265.
Molecular consequence: frameshift variant.
Genome position (GRCh38, 1-based): chr19:4,099,296-4,099,326, 31 bases deleted; deleting any 31 consecutive bases within chr19:4,099,296-4,099,327 gives the same sequence; the c. name uses the placement nearest the transcript's 3' end. GRCh37 (hg19): chr19:4,099,295-4,099,325.
Other names: short protein forms Y265fs.
Identifiers: ClinVar variation 2130213 (VCV002130213.4), dbSNP rs2512307454, ClinGen allele CA2580096986.
Genomic context (GRCh38, chr19:4,099,295, plus strand): 5'-CGAGATGCTGTGAGGCTCTCCTTCTTCCCCGTCGACCACGGGCCGGCCAAAGATGGCCTC[CAGCTCTTTGGCGTCGGGCGGGGGGATGGGGT>C]ACCTTCCGACGGCCAGCTCCACCAGGGACAGGCCCATGCTCCAGATGTCCGACTGCACCG-3'